The following is an entry in ClinVar:

ClinVar aggregate classification (germline): Uncertain significance (1 of 4 stars; one submission).

Conditions:
Hereditary cancer-predisposing syndrome. Also called: Neoplastic Syndromes, Hereditary; Tumor predisposition; Hereditary neoplastic syndrome; Hereditary Cancer Syndrome. Identifiers: Orphanet 140162, MedGen C0027672, MeSH D009386, MONDO:0015356.

Allele frequency attached by ClinVar (database versions not stated): gnomAD 0.00001; gnomAD exomes 0.00001; ExAC 0.00003.

Submission:

Ambry Genetics
Classification: Uncertain significance for Hereditary cancer-predisposing syndrome. Last evaluated: 2022-11-16. Review status: criteria provided, single submitter. Criteria: Ambry Variant Classification Scheme 2023. Collection method: clinical testing. Allele origin: germline.
Comment: The p.M1137I variant (also known as c.3411G>A), located in coding exon 24 of the SMARCA4 gene, results from a G to A substitution at nucleotide position 3411. The methionine at codon 1137 is replaced by isoleucine, an amino acid with highly similar properties. This amino acid position is well conserved in available vertebrate species. In addition, this alteration is predicted to be tolerated by in silico analysis. Missense and in-frame variants in SMARCA4 are known to cause neurodevelopmental disorders; however, such associations with rhabdoid tumor predisposition syndrome including small cell carcinoma of the ovary-hypercalcemic type (SCCOHT) are exceedingly rare (Kosho T et al. Am J Med Genet C Semin Med Genet. 2014 Sep;166C(3):262-75; Jelinic P et al. Nat Genet. 2014 May;46(5):424-6). Based on the supporting evidence, the association of this alteration with Coffin-Siris syndrome is unknown; however, the association of this alteration with rhabdoid tumor predisposition syndrome is unlikely.

NM_003072.5(SMARCA4):c.3411G>A (p.Met1137Ile)

Gene: SMARCA4 (SWI/SNF related BAF chromatin remodeling complex subunit ATPase 4; plus strand). Cytogenetic location: 19p13.2.
Variant type: single nucleotide variant.
Coding change: c.3411G>A on transcript NM_003072.5 (MANE Select); coding-DNA position 3411, G replaced by A.
Protein change: p.Met1137Ile; replaces methionine 1137 with isoleucine.
Molecular consequence: missense variant. On other transcripts: non-coding transcript variant (1).
Genome position (GRCh38, 1-based): chr19:11,030,758, G>A. VCF-style: chr19-11030758-G-A. GRCh37 (hg19) VCF-style: chr19-11141434-G-A.
Other names: c.3411G>A, p.Met1137Ile (NM_001374457.1, NM_001387283.1, NM_001411150.1 and 6 more transcripts); short protein forms M1137I.
Identifiers: ClinVar variation 2452832 (VCV002452832.2), dbSNP rs774548530, ClinGen allele CA9204421.
Genomic context (GRCh38, chr19:11,030,758, plus strand): 5'-CCGCTGACCCTGTTCTCCTCTGTGCCCGTCAGGAACCACGAAGGCGGAGGACCGGGGCAT[G>A]CTGCTGAAAACCTTCAACGAGCCCGGCTCTGAGTACTTCATCTTCCTGCTCAGCACCCGG-3'
Protein context (NP_003063.2, residues 1127-1147): DGTTKAEDRG[Met1137Ile]LLKTFNEPGS